The following is an entry in ClinVar:

NM_016156.6(MTMR2):c.1720G>T (p.Glu574Ter)

Gene: MTMR2 (myotubularin related protein 2; minus strand). Cytogenetic location: 11q21.
Variant type: single nucleotide variant.
Coding change: c.1720G>T on transcript NM_016156.6 (MANE Select); coding-DNA position 1720, G replaced by T.
Protein change: p.Glu574Ter; replaces glutamic acid 574 with a stop codon.
Molecular consequence: nonsense.
Genome position (GRCh38, 1-based): chr11:95,836,198, C>A on the plus strand (G>T on the coding strand, the complement: MTMR2 is on the minus strand). VCF-style: chr11-95836198-C-A. GRCh37 (hg19) VCF-style: chr11-95569362-C-A.
Other names: c.1504G>T, p.Glu502Ter (NM_001243571.2, NM_201278.3, NM_201281.3); short protein forms E502*, E574*.
Identifiers: ClinVar variation 3625829 (VCV003625829.3).

ClinVar aggregate classification (germline): Pathogenic/Likely pathogenic. Review status: criteria provided, multiple submitters, no conflicts (2 of 4 stars). 2 submissions from 2 submitters: Pathogenic (1); Likely pathogenic (1). Last evaluated 2025-12-30.

Conditions:
Charcot-Marie-Tooth disease type 4. Also called: Charcot-Marie-Tooth disease, type IV; Charcot-Marie-Tooth, Type 4. Identifiers: Orphanet 64749, MedGen C4082197, MONDO:0018995.
Charcot-Marie-Tooth disease type 4B1. Also called: CHARCOT-MARIE-TOOTH DISEASE, AUTOSOMAL RECESSIVE, WITH FOCALLY FOLDED MYELIN SHEATHS, AUTOSOMAL RECESSIVE, TYPE 4B1; CHARCOT-MARIE-TOOTH DISEASE, TYPE 4B; Charcot-Marie-Tooth Neuropathy Type 4B1; CHARCOT-MARIE-TOOTH DISEASE, DEMYELINATING, TYPE 4B1. Identifiers: Orphanet 99955, MedGen C1832399, MONDO:0011066, OMIM 601382.

gnomAD v4.1: 4 of 1,612,888 alleles (0.00025%); highest among the groups gnomAD compares: African/African-American, 0.0013%; no homozygotes.

Submissions (2):

Greenwood Genetic Center Diagnostic Laboratories, Greenwood Genetic Center
Classification: Likely pathogenic for Charcot-Marie-Tooth disease type 4B1. Last evaluated: 2025-12-30. Review status: criteria provided, single submitter. Criteria: ACMG Guidelines, 2015. Collection method: clinical testing. Allele origin: germline. Affected: yes.
Comment: PVS1, PM2

Labcorp Genetics (formerly Invitae), Labcorp
Classification: Pathogenic for Charcot-Marie-Tooth disease type 4. Last evaluated: 2024-12-08. Review status: criteria provided, single submitter. Criteria: Invitae Variant Classification Sherloc (09022015). Collection method: clinical testing. Allele origin: germline.
Comment: This sequence change creates a premature translational stop signal (p.Glu574*) in the MTMR2 gene. It is expected to result in an absent or disrupted protein product. Loss-of-function variants in MTMR2 are known to be pathogenic (PMID: 10802647). This variant is present in population databases (no rsID available, gnomAD 0.007%). This variant has not been reported in the literature in individuals affected with MTMR2-related conditions. Algorithms developed to predict the effect of sequence changes on RNA splicing suggest that this variant may disrupt the consensus splice site. For these reasons, this variant has been classified as Pathogenic.

Literature cited by the submitters: PubMed 10802647 (cited by Labcorp Genetics (formerly Invitae), Labcorp).